The following is an entry in ClinVar:

ClinVar aggregate classification (germline): Uncertain significance (1 of 4 stars; one submission).

Conditions:
Hajdu-Cheney syndrome (HJCYS). Also called: ACROOSTEOLYSIS WITH OSTEOPOROSIS AND CHANGES IN SKULL AND MANDIBLE; SERPENTINE FIBULA-POLYCYSTIC KIDNEY SYNDROME; Acroosteolysis dominant type. Identifiers: Orphanet 955, MedGen C0917715, MONDO:0007057, OMIM 102500.

Submission:

Labcorp Genetics (formerly Invitae), Labcorp
Classification: Uncertain significance for Hajdu-Cheney syndrome. Last evaluated: 2026-01-17. Review status: criteria provided, single submitter. Criteria: Invitae Variant Classification Sherloc (09022015). Collection method: clinical testing. Allele origin: germline.
Comment: This sequence change replaces histidine, which is basic and polar, with proline, which is neutral and non-polar, at codon 656 of the NOTCH2 protein (p.His656Pro). This variant is not present in population databases (gnomAD no frequency). This variant has not been reported in the literature in individuals affected with NOTCH2-related conditions. Invitae Evidence Modeling of protein sequence and biophysical properties (such as structural, functional, and spatial information, amino acid conservation, physicochemical variation, residue mobility, and thermodynamic stability) indicates that this missense variant is not expected to disrupt NOTCH2 protein function with a negative predictive value of 95%. In summary, the available evidence is currently insufficient to determine the role of this variant in disease. Therefore, it has been classified as a Variant of Uncertain Significance.

NM_024408.4(NOTCH2):c.1967A>C (p.His656Pro)

Gene: NOTCH2 (notch receptor 2; minus strand). Cytogenetic location: 1p12.
Variant type: single nucleotide variant.
Coding change: c.1967A>C on transcript NM_024408.4 (MANE Select); coding-DNA position 1967, A replaced by C.
Protein change: p.His656Pro; replaces histidine 656 with proline.
Molecular consequence: missense variant.
Genome position (GRCh38, 1-based): chr1:119,959,451, T>G on the plus strand (A>C on the coding strand, the complement: NOTCH2 is on the minus strand). VCF-style: chr1-119959451-T-G. GRCh37 (hg19) VCF-style: chr1-120502074-T-G.
Other names: c.1967A>C, p.His656Pro (NM_001200001.2); short protein forms H656P.
Identifiers: ClinVar variation 4690398 (VCV004690398.1).
Genomic context (GRCh38, chr1:119,959,451, plus strand): 5'-CCTGTGAATCCTGGTGAGCAGACACAACTGTAGCGATTAATGCCATCCATACAGATTCCA[T>G]GGATACAAGGGTTACTTGCACAGTCATCAAAATTAATTTCACAATTAACCCCTGGAAGAG-3'
Protein context (NP_077719.2, residues 646-666): FDDCASNPCI[His656Pro]GICMDGINRY